The following is an entry in ClinVar:

NM_001035.3(RYR2):c.4412A>G (p.Asp1471Gly)

Gene: RYR2 (ryanodine receptor 2; plus strand). Cytogenetic location: 1q43.
Variant type: single nucleotide variant.
Coding change: c.4412A>G on transcript NM_001035.3 (MANE Select); coding-DNA position 4412, A replaced by G.
Protein change: p.Asp1471Gly; replaces aspartic acid 1471 with glycine.
Molecular consequence: missense variant.
Genome position (GRCh38, 1-based): chr1:237,593,612, A>G. VCF-style: chr1-237593612-A-G. GRCh37 (hg19) VCF-style: chr1-237756912-A-G.
Other names: short protein forms D1471G.
Identifiers: ClinVar variation 2837271 (VCV002837271.3), dbSNP rs2546639202, ClinGen allele CA345399968.

ClinVar aggregate classification (germline): Uncertain significance (1 of 4 stars; one submission).

Conditions:
Catecholaminergic polymorphic ventricular tachycardia 1. Also called: VENTRICULAR TACHYCARDIA, CATECHOLAMINERGIC POLYMORPHIC, 1, WITH OR WITHOUT ATRIAL DYSFUNCTION AND/OR DILATED CARDIOMYOPATHY; VENTRICULAR TACHYCARDIA, STRESS-INDUCED POLYMORPHIC 1; RYR2-Related Catecholaminergic Polymorphic Ventricular Tachycardia. Identifiers: Orphanet 3286, MedGen C1631597, MONDO:0011484, OMIM 604772.

Submission:

Labcorp Genetics (formerly Invitae), Labcorp
Classification: Uncertain significance for Catecholaminergic polymorphic ventricular tachycardia 1. Last evaluated: 2025-11-23. Review status: criteria provided, single submitter. Criteria: Invitae Variant Classification Sherloc (09022015). Collection method: clinical testing. Allele origin: germline.
Comment: This sequence change replaces aspartic acid, which is acidic and polar, with glycine, which is neutral and non-polar, at codon 1471 of the RYR2 protein (p.Asp1471Gly). This variant is not present in population databases (gnomAD no frequency). This variant has not been reported in the literature in individuals affected with RYR2-related conditions. ClinVar contains an entry for this variant (Variation ID: 2837271). Invitae Evidence Modeling of protein sequence and biophysical properties (such as structural, functional, and spatial information, amino acid conservation, physicochemical variation, residue mobility, and thermodynamic stability) indicates that this missense variant is not expected to disrupt RYR2 protein function with a negative predictive value of 95%. In summary, the available evidence is currently insufficient to determine the role of this variant in disease. Therefore, it has been classified as a Variant of Uncertain Significance.